The following is an entry in ClinVar:

NM_004525.3(LRP2):c.4630A>G (p.Thr1544Ala)

Gene: LRP2 (LDL receptor related protein 2; minus strand). Cytogenetic location: 2q31.1.
Variant type: single nucleotide variant.
Coding change: c.4630A>G on transcript NM_004525.3 (MANE Select); coding-DNA position 4630, A replaced by G.
Protein change: p.Thr1544Ala; replaces threonine 1544 with alanine.
Molecular consequence: missense variant.
Genome position (GRCh38, 1-based): chr2:169,237,164, T>C on the plus strand (A>G on the coding strand, the complement: LRP2 is on the minus strand). VCF-style: chr2-169237164-T-C. GRCh37 (hg19) VCF-style: chr2-170093674-T-C.
Other names: short protein forms T1544A.
Identifiers: ClinVar variation 1714668 (VCV001714668.5), dbSNP rs1689636955, ClinGen allele CA349143297.

ClinVar aggregate classification (germline): Uncertain significance (1 of 4 stars; one submission).

Allele frequency attached by ClinVar (database versions not stated): gnomAD 0.00001.
gnomAD v4.1: 1 of 1,613,918 alleles (0.000062%); highest among the groups gnomAD compares: Non-Finnish European, 0.000085%; no homozygotes.

Submission:

Labcorp Genetics (formerly Invitae), Labcorp
Classification: Uncertain significance. Last evaluated: 2022-08-01. Review status: criteria provided, single submitter. Criteria: Invitae Variant Classification Sherloc (09022015). Collection method: clinical testing. Allele origin: germline.
Comment: This sequence change replaces threonine, which is neutral and polar, with alanine, which is neutral and non-polar, at codon 1544 of the LRP2 protein (p.Thr1544Ala). In summary, the available evidence is currently insufficient to determine the role of this variant in disease. Therefore, it has been classified as a Variant of Uncertain Significance. Advanced modeling of protein sequence and biophysical properties (such as structural, functional, and spatial information, amino acid conservation, physicochemical variation, residue mobility, and thermodynamic stability) performed at Invitae indicates that this missense variant is not expected to disrupt LRP2 protein function. This variant has not been reported in the literature in individuals affected with LRP2-related conditions. This variant is not present in population databases (gnomAD no frequency).